The following is an entry in ClinVar:

NM_017654.4(SAMD9):c.395C>T (p.Ala132Val)

Gene: SAMD9 (sterile alpha motif domain containing 9; minus strand). Cytogenetic location: 7q21.2.
Variant type: single nucleotide variant.
Coding change: c.395C>T on transcript NM_017654.4 (MANE Select); coding-DNA position 395, C replaced by T.
Protein change: p.Ala132Val; replaces alanine 132 with valine.
Molecular consequence: missense variant.
Genome position (GRCh38, 1-based): chr7:93,105,703, G>A on the plus strand (C>T on the coding strand, the complement: SAMD9 is on the minus strand). VCF-style: chr7-93105703-G-A. GRCh37 (hg19) VCF-style: chr7-92735016-G-A.
Other names: c.395C>T, p.Ala132Val (NM_001193307.2); short protein forms A132V.
Identifiers: ClinVar variation 3792020 (VCV003792020.1).
Genomic context (GRCh38, chr7:93,105,703, plus strand): 5'-TCCTTTGTATAATCTATTTTATCTTCTATGAGCTCAACTTTTAGTGACTTAGAACCTTTA[G>A]CAGTTGTACTCATTGCAGACGGATTAGCCATATCTGGGTTCTCTTTACCCTTTTGTTTTT-3'
Protein context (NP_060124.2, residues 122-142): MANPSAMSTT[Ala132Val]KGSKSLKVEL

ClinVar aggregate classification (germline): Uncertain significance (1 of 4 stars; one submission).

Conditions:
Inborn genetic diseases. Identifiers: MedGen C0950123, MeSH D030342.

Submission:

Ambry Genetics
Classification: Uncertain significance for Inborn genetic diseases. Last evaluated: 2025-01-25. Review status: criteria provided, single submitter. Criteria: Ambry Variant Classification Scheme 2023. Collection method: clinical testing. Allele origin: germline.
Comment: The p.A132V variant (also known as c.395C>T), located in coding exon 1 of the SAMD9 gene, results from a C to T substitution at nucleotide position 395. The alanine at codon 132 is replaced by valine, an amino acid with similar properties. This amino acid position is conserved. In addition, this alteration is predicted to be tolerated by in silico analysis. Based on the available evidence, the clinical significance of this variant remains unclear.